The following is an entry in ClinVar:

NM_000487.6(ARSA):c.1428dup (p.Ser477fs)

Gene: ARSA (arylsulfatase A; minus strand). Cytogenetic location: 22q13.33.
Variant type: Duplication.
Coding change: c.1428dup on transcript NM_000487.6 (MANE Select); coding-DNA position 1428, one base duplicated (C; older notation c.1428dupC).
Protein change: p.Ser477fs; shifts the reading frame from serine 477.
Molecular consequence: frameshift variant.
Genome position (GRCh38, 1-based): chr22:50,625,247, G duplicated on the plus strand (C on the coding strand, the reverse complement: ARSA is on the minus strand); the first of 4 consecutive G bases (chr22:50,625,247-50,625,250); duplicating any one gives the same sequence. VCF-style (leftmost placement, unchanged base first): chr22-50625246-T-TG. GRCh37 (hg19) VCF-style: chr22-51063674-T-TG.
Other names: c.1428dup, p.Ser477fs (NM_001085425.3, NM_001085426.3, NM_001085427.3); c.1170dup, p.Ser391fs (NM_001085428.3, NM_001362782.2); short protein forms S477fs, S391fs.
Identifiers: ClinVar variation 2737062 (VCV002737062.3), dbSNP rs2518321498, ClinGen allele CA2695231020.

ClinVar aggregate classification (germline): Pathogenic (1 of 4 stars; one submission).

Conditions:
Metachromatic leukodystrophy (MLD). Also called: ARSA DEFICIENCY; CEREBROSIDE SULFATASE DEFICIENCY; METACHROMATIC LEUKOENCEPHALOPATHY; SULFATIDE LIPIDOSIS; Cerebral sclerosis diffuse metachromatic form; Arylsulfatase A Deficiency. Identifiers: Orphanet 512, MedGen C0023522, MONDO:0018868, OMIM 250100.

Submission:

Labcorp Genetics (formerly Invitae), Labcorp
Classification: Pathogenic for Metachromatic leukodystrophy. Last evaluated: 2023-09-15. Review status: criteria provided, single submitter. Criteria: Invitae Variant Classification Sherloc (09022015). Collection method: clinical testing. Allele origin: germline.
Comment: This frameshift has been observed in individual(s) with clinical features of metachromatic leukodystrophy (PMID: 27779215). This variant is also known as NM_001085428.2:c.1170dupC (p.Ser391Glnfs*96). This variant results in an extension of the ARSA protein. Other variant(s) that result in a similarly extended protein product (p.Arg498Profs*75) have been determined to be pathogenic (PMID: 19021637, 26462614). This suggests that these extensions are likely to be disease-causing. For these reasons, this variant has been classified as Pathogenic. This sequence change results in a frameshift in the ARSA gene (p.Ser477Glnfs*96). While this is not anticipated to result in nonsense mediated decay, it is expected to disrupt the last 33 amino acid(s) of the ARSA protein and extend the protein by 62 additional amino acid residues. This variant is not present in population databases (gnomAD no frequency).

Literature cited by the submitters: PubMed 27779215; PubMed 19021637; PubMed 26462614.